The following is an entry in ClinVar:

ClinVar aggregate classification (germline): Pathogenic. Review status: criteria provided, multiple submitters, no conflicts (2 of 4 stars). 3 submissions from 3 submitters: Pathogenic (3). Last evaluated 2026-02-12.

Conditions:
Hereditary cancer-predisposing syndrome. Also called: Tumor predisposition; Hereditary Cancer Syndrome; Hereditary neoplastic syndrome; Neoplastic Syndromes, Hereditary. Identifiers: Orphanet 140162, MedGen C0027672, MeSH D009386, MONDO:0015356.
Familial adenomatous polyposis 1 (FAP1). Also called: FAMILIAL ADENOMATOUS POLYPOSIS 1, ATTENUATED; POLYPOSIS, ADENOMATOUS INTESTINAL. Identifiers: MedGen C2713442, MONDO:0021056, OMIM 175100. Disease mechanism: loss of function.

Submissions (3):

Ambry Genetics
Classification: Pathogenic for Hereditary cancer-predisposing syndrome. Last evaluated: 2026-02-12. Review status: criteria provided, single submitter. Criteria: Ambry Variant Classification Scheme 2023. Collection method: clinical testing. Allele origin: germline.
Comment: The c.3586dupT pathogenic mutation, located in coding exon 15 of the APC gene, results from a duplication of T at nucleotide position 3586, causing a translational frameshift with a predicted alternate stop codon (p.S1196Ffs*12). This variant was reported in individual(s) with features consistent with APC-related familial adenomatous polyposis (FAP) (Ambry internal data). This variant is considered to be rare based on population cohorts in the Genome Aggregation Database (gnomAD). This variant occurs at the 3' terminus of the gene, is not expected to trigger nonsense-mediated mRNA decay, and impacts the last 58% of the protein. However, premature stop codons are typically deleterious in nature and the impacted region is critical for protein function (Ambry internal data). Based on the supporting evidence, this variant is interpreted as a disease-causing mutation.

Labcorp Genetics (formerly Invitae), Labcorp
Classification: Pathogenic for Familial adenomatous polyposis 1. Last evaluated: 2023-12-02. Review status: criteria provided, single submitter. Criteria: Invitae Variant Classification Sherloc (09022015). Collection method: clinical testing. Allele origin: germline.
Comment: This sequence change creates a premature translational stop signal (p.Ser1196Phefs*12) in the APC gene. While this is not anticipated to result in nonsense mediated decay, it is expected to disrupt the last 1648 amino acid(s) of the APC protein. This variant is not present in population databases (gnomAD no frequency). This variant has not been reported in the literature in individuals affected with APC-related conditions. ClinVar contains an entry for this variant (Variation ID: 1732946). A different truncation (p.Tyr2645Lysfs*14) that lies downstream of this variant has been determined to be pathogenic (PMID: 9824584, 1316610, 27081525, 8381579, 22135120, Invitae). This suggests that deletion of this region of the APC protein is causative of disease. This variant is expected to disrupt the EB1 and HDLG binding sites, which mediate interactions with the cytoskeleton (PMID: 15311282, 17293347). While functional studies have not been performed to directly test the effect on APC protein function, this suggests that disruption of the C-terminal portion of the protein is functionally important. A different truncation (p.Tyr2645Lysfs*14) that lies downstream of this variant has been determined to be pathogenic (PMID: 9824584, 1316610, 27081525, 8381579, 22135120, Invitae). This suggests that deletion of this region of the APC protein is causative of disease. For these reasons, this variant has been classified as Pathogenic.

Myriad Genetics, Inc.
Classification: Pathogenic for Familial adenomatous polyposis 1. Last evaluated: 2023-05-09. Review status: criteria provided, single submitter. Criteria: Myriad Autosomal Dominant, Autosomal Recessive and X-Linked Classification Criteria (2023). Collection method: clinical testing. Allele origin: unknown.
Comment: This variant is considered pathogenic. This variant creates a frameshift predicted to result in premature protein truncation.

Literature cited by the submitters: PubMed 9824584 (cited by Labcorp Genetics (formerly Invitae), Labcorp); PubMed 1316610 (cited by Labcorp Genetics (formerly Invitae), Labcorp); PubMed 27081525 (cited by Labcorp Genetics (formerly Invitae), Labcorp); PubMed 8381579 (cited by Labcorp Genetics (formerly Invitae), Labcorp); PubMed 22135120 (cited by Labcorp Genetics (formerly Invitae), Labcorp); PubMed 15311282 (cited by Labcorp Genetics (formerly Invitae), Labcorp); PubMed 17293347 (cited by Labcorp Genetics (formerly Invitae), Labcorp).

NM_000038.6(APC):c.3586dup (p.Ser1196fs)

Gene: APC (APC regulator of Wnt signaling pathway; plus strand). Cytogenetic location: 5q22.2.
Variant type: Duplication.
Coding change: c.3586dup on transcript NM_000038.6 (MANE Select); coding-DNA position 3586, one base duplicated (T; older notation c.3586dupT).
Protein change: p.Ser1196fs; shifts the reading frame from serine 1196.
Molecular consequence: frameshift variant.
Genome position (GRCh38, 1-based): chr5:112,839,180, T duplicated; the last of 4 consecutive T bases (chr5:112,839,177-112,839,180); duplicating any one gives the same sequence. VCF-style (leftmost placement, unchanged base first): chr5-112839176-A-AT. GRCh37 (hg19) VCF-style: chr5-112174873-A-AT.
Other names: c.3586dup, p.Ser1196fs (NM_001127510.3, NM_001354895.2); c.3532dup, p.Ser1178fs (NM_001127511.3); c.3640dup, p.Ser1214fs (NM_001354896.2); c.3616dup, p.Ser1206fs (NM_001354897.2); c.3511dup, p.Ser1171fs (NM_001354898.2); c.3502dup, p.Ser1168fs (NM_001354899.2); c.3463dup, p.Ser1155fs (NM_001354900.2); c.3409dup, p.Ser1137fs (NM_001354901.2); and 16 more; short protein forms S1137fs, S1155fs, S1105fs, S1178fs, S1196fs, S1206fs, S913fs, S1036fs.
Identifiers: ClinVar variation 1732946 (VCV001732946.8), dbSNP rs2149894885, ClinGen allele CA2580072962.